The following is an entry in ClinVar:

NM_000540.3(RYR1):c.6315G>A (p.Trp2105Ter)

Gene: RYR1 (ryanodine receptor 1; plus strand). Cytogenetic location: 19q13.2.
Variant type: single nucleotide variant.
Coding change: c.6315G>A on transcript NM_000540.3 (MANE Select); coding-DNA position 6315, G replaced by A.
Protein change: p.Trp2105Ter; replaces tryptophan 2105 with a stop codon.
Molecular consequence: nonsense.
Genome position (GRCh38, 1-based): chr19:38,494,392, G>A. VCF-style: chr19-38494392-G-A. GRCh37 (hg19) VCF-style: chr19-38985032-G-A.
Other names: c.6315G>A, p.Trp2105Ter (NM_001042723.2); short protein forms W2105*.
Identifiers: ClinVar variation 4758485 (VCV004758485.1).

ClinVar aggregate classification (germline): Uncertain significance (1 of 4 stars; one submission).

Conditions:
Malignant hyperthermia, susceptibility to, 1 (MHS1). Also called: RYR1-Related Malignant Hyperthermia Susceptibility; Malignant hyperthermia suceptibility 1; Anesthesia related hyperthermia; Malignant hyperpyrexia; Fulminating hyperpyrexia; Pharmacogenic myopathy. Identifiers: Orphanet 423, MedGen C2930980, MONDO:0007783, OMIM 145600.

Submission:

Color Diagnostics, LLC DBA Color Health
Classification: Uncertain significance for Malignant hyperthermia, susceptibility to, 1. Last evaluated: 2025-06-24. Review status: criteria provided, single submitter. Criteria: ACMG Guidelines, 2015. Collection method: clinical testing. Allele origin: germline.
Comment: This variant changes 1 nucleotide in exon 39 of the RYR1 gene, creating a premature translation stop signal. To our knowledge, this variant has not been reported in individuals affected with RYR1-related disorders in the literature. This variant has not been identified in the general population by the Genome Aggregation Database (gnomAD). Loss of RYR1 function due to truncation variants is not an established disease mechanism for autosomal dominant malignant hyperthermia, although it is associated with other phenotype(s). Therefore, this variant is classified as a Variant of Uncertain Significance for autosomal dominant malignant hyperthermia.